The following is an entry in ClinVar:

NM_000257.4(MYH7):c.2198G>A (p.Gly733Glu)

Gene: MYH7 (myosin heavy chain 7; minus strand). Cytogenetic location: 14q11.2.
Variant type: single nucleotide variant.
Coding change: c.2198G>A on transcript NM_000257.4 (MANE Select); coding-DNA position 2198, G replaced by A.
Protein change: p.Gly733Glu; replaces glycine 733 with glutamic acid.
Molecular consequence: missense variant.
Genome position (GRCh38, 1-based): chr14:23,425,783, C>T on the plus strand (G>A on the coding strand, the complement: MYH7 is on the minus strand). VCF-style: chr14-23425783-C-T. GRCh37 (hg19) VCF-style: chr14-23894992-C-T.
Other names: short protein forms G733E.
Identifiers: ClinVar variation 177628 (VCV000177628.16), dbSNP rs727504241, ClinGen allele CA011928.

ClinVar aggregate classification (germline): Conflicting classifications of pathogenicity. Review status: criteria provided, conflicting classifications (1 of 4 stars). 2 submissions from 2 submitters: Likely pathogenic (1); Uncertain significance (1). Last evaluated 2025-02-05.

Conditions:
Hypertrophic cardiomyopathy. Also called: HYPERTROPHIC MYOCARDIOPATHY. Identifiers: Orphanet 217569, MedGen C0007194, MeSH D002312, MONDO:0005045, HP:0001639.

Submissions (2):

Labcorp Genetics (formerly Invitae), Labcorp
Classification: Uncertain significance for Hypertrophic cardiomyopathy. Last evaluated: 2025-02-05. Review status: criteria provided, single submitter. Criteria: Invitae Variant Classification Sherloc (09022015). Collection method: clinical testing. Allele origin: germline.
Comment: This sequence change replaces glycine, which is neutral and non-polar, with glutamic acid, which is acidic and polar, at codon 733 of the MYH7 protein (p.Gly733Glu). This variant is not present in population databases (gnomAD no frequency). This missense change has been observed in individual(s) with hypertrophic cardiomyopathy (PMID: 12707239, 20975235, 21185001, 25611685, 37652022). ClinVar contains an entry for this variant (Variation ID: 177628). Invitae Evidence Modeling of protein sequence and biophysical properties (such as structural, functional, and spatial information, amino acid conservation, physicochemical variation, residue mobility, and thermodynamic stability) indicates that this missense variant is expected to disrupt MYH7 protein function with a positive predictive value of 95%. In summary, the available evidence is currently insufficient to determine the role of this variant in disease. Therefore, it has been classified as a Variant of Uncertain Significance.

Laboratory for Molecular Medicine, Mass General Brigham Personalized Medicine
Classification: Likely pathogenic for Hypertrophic cardiomyopathy. Last evaluated: 2019-05-21. Review status: criteria provided, single submitter. Criteria: LMM Criteria. Collection method: clinical testing. Allele origin: germline. Observed: 14 variant alleles.
Comment: The p.Gly733Glu variant in MYH7 has been reported in at least 5 individuals with HCM and segregated with disease in 5 affected relatives (Richard 2003, Maron 2011, Fujino 2013, LMM data). This variant was absent from large population studies. Computational prediction tools and conservation analyses do not provide strong support for or against an impact to the protein. Of note, this variant lies in the head region of the protein. Missense variants in this region have been reported and statistically indicated to be more likely to cause disease (Walsh 2016). Two other variants at this position (p.Gly733Val and p.Gly733Arg) have also been reported in affected individuals. In summary, although additional studies are required to fully establish its clinical significance, the Gly733Glu variant is likely pathogenic. PM1, PM2, PP1_Moderate, PS4_Supporting.

Literature cited by the submitters: PubMed 12707239 (cited by Labcorp Genetics (formerly Invitae), Labcorp and Laboratory for Molecular Medicine, Mass General Brigham Personalized Medicine); PubMed 20975235 (cited by Labcorp Genetics (formerly Invitae), Labcorp and Laboratory for Molecular Medicine, Mass General Brigham Personalized Medicine); PubMed 21185001 (cited by Labcorp Genetics (formerly Invitae), Labcorp and Laboratory for Molecular Medicine, Mass General Brigham Personalized Medicine); PubMed 25611685 (cited by Labcorp Genetics (formerly Invitae), Labcorp); PubMed 37652022 (cited by Labcorp Genetics (formerly Invitae), Labcorp); PubMed 23197398 (cited by Laboratory for Molecular Medicine, Mass General Brigham Personalized Medicine); PubMed 21750094 (cited by Laboratory for Molecular Medicine, Mass General Brigham Personalized Medicine).